The following is an entry in ClinVar:

ClinVar aggregate classification (germline): Likely benign (1 of 4 stars; one submission).

Allele frequency attached by ClinVar (database versions not stated): 1000 Genomes Project 30x 0.00344; 1000 Genomes Project 0.00359; TOPMed 0.01270; gnomAD 0.01307 and 0.01349.
gnomAD v4.1: 1,978 of 152,320 alleles (1.3%); highest among the groups gnomAD compares: Non-Finnish European, 2.2%; 22 homozygotes.

Submission:

GeneDx
Classification: Likely benign. Last evaluated: 2018-06-20. Review status: criteria provided, single submitter. Criteria: GeneDx Variant Classification (06012015). Collection method: clinical testing. Allele origin: germline. Affected: yes.
Comment: This variant is considered likely benign or benign based on one or more of the following criteria: it is a conservative change, it occurs at a poorly conserved position in the protein, it is predicted to be benign by multiple in silico algorithms, and/or has population frequency not consistent with disease.

NM_001365088.1(SLC12A6):c.1333+153C>G

Gene: SLC12A6 (solute carrier family 12 member 6; minus strand). Cytogenetic location: 15q14.
Variant type: single nucleotide variant.
Coding change: c.1333+153C>G on transcript NM_001365088.1 (MANE Select); 153 bases into the intron after coding-DNA position 1333, C replaced by G.
Molecular consequence: intron variant.
Genome position (GRCh38, 1-based): chr15:34,252,017, G>C on the plus strand (C>G on the coding strand, the complement: SLC12A6 is on the minus strand). VCF-style: chr15-34252017-G-C. GRCh37 (hg19) VCF-style: chr15-34544218-G-C.
Other names: c.1156+153C>G (NM_001042495.2, NM_001042494.2); c.1306+153C>G (NM_001042496.2); c.1288+153C>G (NM_001042497.2); c.1333+153C>G (NM_133647.2); c.1180+153C>G (NM_005135.2).
Identifiers: ClinVar variation 677088 (VCV000677088.1), dbSNP rs117050982, ClinGen allele CA268638562.